The following is an entry in ClinVar:

ClinVar aggregate classification (germline): Pathogenic/Likely pathogenic. Review status: criteria provided, multiple submitters, no conflicts (2 of 4 stars). 3 submissions from 3 submitters: Pathogenic (1); Likely pathogenic (2). Last evaluated 2025-01-07.

Conditions:
Hematuria, benign familial, 2 (BFH2). Identifiers: MedGen C5830421, MONDO:0958186, OMIM 620320.
Autosomal dominant Alport syndrome (ATS3A). Also called: Alport syndrome dominant type; Renal failure and sensorineural hearing loss; ALPORT SYNDROME 3A, AUTOSOMAL DOMINANT. Identifiers: Orphanet 63, Orphanet 88918, MedGen C5882663, MONDO:0007086, OMIM 104200.
Alport syndrome 3b, autosomal recessive. Identifiers: MedGen C5882699, MONDO:0957811, OMIM 620536.
Alport syndrome. Also called: Hemorrhagic familial nephritis; Hemorrhagic hereditary nephritis; Congenital hereditary hematuria. Identifiers: Orphanet 63, MedGen C1567741, MONDO:0018965.

Allele frequency attached by ClinVar (database versions not stated): gnomAD exomes below 0.00001.
gnomAD v4.1: 1 of 1,561,304 alleles (0.000064%); highest among the groups gnomAD compares: South Asian, 0.0012%; no homozygotes.

Submissions (3):

Labcorp Genetics (formerly Invitae), Labcorp
Classification: Likely pathogenic. Last evaluated: 2025-01-07. Review status: criteria provided, single submitter. Criteria: Invitae Variant Classification Sherloc (09022015). Collection method: clinical testing. Allele origin: germline.
Comment: This sequence change replaces glycine, which is neutral and non-polar, with arginine, which is basic and polar, at codon 801 of the COL4A3 protein (p.Gly801Arg). This variant is not present in population databases (gnomAD no frequency). This missense change has been observed in individual(s) with clinical features of autosomal dominant Alport syndrome (PMID: 25596306). It has also been observed to segregate with disease in related individuals. ClinVar contains an entry for this variant (Variation ID: 2203281). Invitae Evidence Modeling of protein sequence and biophysical properties (such as structural, functional, and spatial information, amino acid conservation, physicochemical variation, residue mobility, and thermodynamic stability) indicates that this missense variant is expected to disrupt COL4A3 protein function with a positive predictive value of 80%. In summary, the currently available evidence indicates that the variant is pathogenic, but additional data are needed to prove that conclusively. Therefore, this variant has been classified as Likely Pathogenic.

Natera, Inc.
Classification: Pathogenic for Alport syndrome. Last evaluated: 2025-01-02. Review status: criteria provided, single submitter. Criteria: Natera Variant Classification Schema (03/2026). Collection method: clinical testing. Allele origin: germline.
Comment: The c.2401G>A variant in COL4A3 is a missense variant predicted to cause substitution of glycine to arginine at amino acid 801. This variant is rare in the general population with a frequency below the threshold expected for the associated phenotype(s). This variant has been observed in affected individual(s) with monoallelic occurrence (heterozygous/hemizygous) (PMID: 25596306). Functional studies show that this variant may disrupt protein function (PMID: 38782199). This variant is located in a functionally critical region of the protein. Computational prediction algorithms indicate this variant is likely to affect gene or protein function. Given the available evidence, this variant is classified as Pathogenic.

Juno Genomics, Hangzhou Juno Genomics, Inc
Classification: Likely pathogenic for Autosomal dominant Alport syndrome; Alport syndrome 3b, autosomal recessive; Hematuria, benign familial, 2. Review status: criteria provided, single submitter. Criteria: ACMG Guidelines, 2015. Collection method: clinical testing. Allele origin: germline.
Comment: Absent from controls (or at extremely low frequency if recessive) in Genome Aggregation Database.;Multiple lines of computational evidence support a deleterious effect on the gene or gene product.;Co-segregation with disease in multiple affected family members.

Literature cited by the submitters: PubMed 25596306 (cited by Labcorp Genetics (formerly Invitae), Labcorp and Natera, Inc.); PubMed 38782199 (cited by Natera, Inc.).

NM_000091.5(COL4A3):c.2401G>A (p.Gly801Arg)

Genes: COL4A3 (collagen type IV alpha 3 chain; plus strand), MFF-DT (MFF divergent transcript; minus strand). Cytogenetic location: 2q36.3.
Variant type: single nucleotide variant.
Coding change: c.2401G>A on transcript NM_000091.5 (MANE Select); coding-DNA position 2401, G replaced by A.
Protein change: p.Gly801Arg; replaces glycine 801 with arginine.
Molecular consequence: missense variant.
Genome position (GRCh38, 1-based): chr2:227,280,919, G>A. VCF-style: chr2-227280919-G-A. GRCh37 (hg19) VCF-style: chr2-228145635-G-A.
Other names: short protein forms G801R.
Identifiers: ClinVar variation 2203281 (VCV002203281.7), dbSNP rs867945364, ClinGen allele CA350849409.
Genomic context (GRCh38, chr2:227,280,919, plus strand): 5'-GCACCTGGGTATATACTTGTGCTTTCTTTTGCAGGAGATCCAGGGCAGCCTGGACCACCT[G>A]GAGAACAAGGACCCCCAGGAAGGTGCATAGAGGGTCCCAGGGGAGCCCAAGGACTTCCAG-3'
Protein context (NP_000082.2, residues 791-811): RGDPGQPGPP[Gly801Arg]EQGPPGRCIE